The following is an entry in ClinVar:

NM_001287491.2(TET3):c.3602C>G (p.Pro1201Arg)

Gene: TET3 (tet methylcytosine dioxygenase 3; plus strand). Cytogenetic location: 2p13.1.
Variant type: single nucleotide variant.
Coding change: c.3602C>G on transcript NM_001287491.2 (MANE Select); coding-DNA position 3602, C replaced by G.
Protein change: p.Pro1201Arg; replaces proline 1201 with arginine.
Molecular consequence: missense variant.
Genome position (GRCh38, 1-based): chr2:74,099,610, C>G. VCF-style: chr2-74099610-C-G. GRCh37 (hg19) VCF-style: chr2-74326737-C-G.
Other names: c.3323C>G, p.Pro1108Arg (NM_001366022.1); short protein forms P1108R, P1201R.
Identifiers: ClinVar variation 5037611 (VCV005037611.1).
Genomic context (GRCh38, chr2:74,099,610, plus strand): 5'-TGAGCACTCCGGAGAAGATCAAGCAGGAGGCCCTGGAGCTGGCGGGCATTACGTCGGACC[C>G]AGGTGTGTGGGGGGAGGGTGCCCGCTTGGAGTCACAATGGCACTGTCCTCATGGGGGCCC-3'
Protein context (NP_001274420.1, residues 1191-1211): ALELAGITSD[Pro1201Arg]GLSLKGGLSQ

ClinVar aggregate classification (germline): Uncertain significance (1 of 4 stars; one submission).

gnomAD v4.1: 10 of 1,564,238 alleles (0.00064%); highest among the groups gnomAD compares: South Asian, 0.0082%; no homozygotes.

Submission:

GeneDx
Classification: Uncertain significance. Last evaluated: 2026-04-26. Review status: criteria provided, single submitter. Criteria: GeneDx Variant Classification Process June 2021. Collection method: clinical testing. Allele origin: germline.
Comment: In silico analysis supports that this missense variant has a deleterious effect on protein structure/function; Has not been previously published as pathogenic or benign to our knowledge